The following is an entry in ClinVar:

NM_001429.4(EP300):c.4653G>T (p.Lys1551Asn)

Gene: EP300 (EP300 lysine acetyltransferase; plus strand). Cytogenetic location: 22q13.2.
Variant type: single nucleotide variant.
Coding change: c.4653G>T on transcript NM_001429.4 (MANE Select); coding-DNA position 4653, G replaced by T.
Protein change: p.Lys1551Asn; replaces lysine 1551 with asparagine.
Molecular consequence: missense variant.
Genome position (GRCh38, 1-based): chr22:41,173,658, G>T. VCF-style: chr22-41173658-G-T. GRCh37 (hg19) VCF-style: chr22-41569662-G-T.
Other names: c.4575G>T, p.Lys1525Asn (NM_001362843.2); short protein forms K1551N, K1525N.
Identifiers: ClinVar variation 2896775 (VCV002896775.4), dbSNP rs1483018665, ClinGen allele CA411704933.
Genomic context (GRCh38, chr22:41,173,658, plus strand): 5'-TTGTCTCCTTTGTGCTACTCTGCAGGTGACCAAGGGAGACAGCAAAAATGCTAAAAAGAA[G>T]AATAATAAGAAAACCAGCAAAAATAAGAGCAGCCTGAGTAGGGGCAACAAGAAGAAACCC-3'
Protein context (NP_001420.2, residues 1541-1561): TKGDSKNAKK[Lys1551Asn]NNKKTSKNKS

ClinVar aggregate classification (germline): Uncertain significance. Review status: criteria provided, multiple submitters, no conflicts (2 of 4 stars). 2 submissions from 2 submitters: Uncertain significance (2). Last evaluated 2025-06-20.

Conditions:
Rubinstein-Taybi syndrome due to EP300 haploinsufficiency. Also called: EP300-Related Rubinstein-Taybi Syndrome; RUBINSTEIN-TAYBI SYNDROME 2. Identifiers: Orphanet 353284, Orphanet 783, MedGen C3150941, MONDO:0013364, OMIM 613684.

gnomAD v4.1: 5 of 1,614,130 alleles (0.00031%); highest among the groups gnomAD compares: African/African-American, 0.0013%; no homozygotes.

Submissions (2):

Dasa
Classification: Uncertain significance. Last evaluated: 2025-06-20. Review status: criteria provided, single submitter. Criteria: DASA Assertion Criteria. Collection method: clinical testing. Allele origin: germline.
Comment: NM_001429.4(EP300):c.4653G>T (p.Lys1551Asn) is a missense variant that results in the substitution of lysine with asparagine. The variant is present at low frequency in population datasets. Based on the available data, this variant is classified as variant of uncertain significance.

Labcorp Genetics (formerly Invitae), Labcorp
Classification: Uncertain significance for Rubinstein-Taybi syndrome due to EP300 haploinsufficiency. Last evaluated: 2022-11-01. Review status: criteria provided, single submitter. Criteria: Invitae Variant Classification Sherloc (09022015). Collection method: clinical testing. Allele origin: germline.
Comment: This sequence change replaces lysine, which is basic and polar, with asparagine, which is neutral and polar, at codon 1551 of the EP300 protein (p.Lys1551Asn). This variant is not present in population databases (gnomAD no frequency). This variant has not been reported in the literature in individuals affected with EP300-related conditions. Advanced modeling of protein sequence and biophysical properties (such as structural, functional, and spatial information, amino acid conservation, physicochemical variation, residue mobility, and thermodynamic stability) has been performed at Invitae for this missense variant, however the output from this modeling did not meet the statistical confidence thresholds required to predict the impact of this variant on EP300 protein function. In summary, the available evidence is currently insufficient to determine the role of this variant in disease. Therefore, it has been classified as a Variant of Uncertain Significance.